The following is an entry in ClinVar:

NM_006206.6(PDGFRA):c.1470_1471insCACTTGACTTTC (p.Phe490_Ala491insHisLeuThrPhe)

Gene: PDGFRA (platelet derived growth factor receptor alpha; plus strand). Cytogenetic location: 4q12.
Variant type: Insertion.
Coding change: c.1470_1471insCACTTGACTTTC on transcript NM_006206.6 (MANE Select); coding-DNA positions 1470 to 1471, CACTTGACTTTC inserted.
Protein change: p.Phe490_Ala491insHisLeuThrPhe.
Genome position: GRCh38 VCF-style: chr4-54273634-G-GTGACTTTCCACT. GRCh37 (hg19) VCF-style: chr4-55139801-G-GTGACTTTCCACT.
Other names: c.1470_1471insCACTTGACTTTC, p.Phe490_Ala491insHisLeuThrPhe (NM_001347827.2, NM_001347829.2); c.1545_1546insCACTTGACTTTC, p.Phe515_Ala516insHisLeuThrPhe (NM_001347828.2); c.1509_1510insCACTTGACTTTC, p.Phe503_Ala504insHisLeuThrPhe (NM_001347830.2).
Identifiers: ClinVar variation 4530324 (VCV004530324.1).

ClinVar aggregate classification (somatic clinical impact): Tier I - Strong (1 of 4 stars; one submission).

Conditions:
Malignant glioma. Identifiers: MedGen C0555198, MONDO:0100342, MONDO:0015917.

Submission:

Institute for Genomic Medicine (IGM) Clinical Laboratory, Nationwide Children's Hospital
Classification: Tier I - Strong for Malignant glioma. Assertion type: diagnostic. Clinical significance: supports diagnosis. Last evaluated: 2023-02-17. Review status: criteria provided, single submitter. Criteria: AMP/ASCO/CAP Guidelines, 2017. Collection method: clinical testing. Allele origin: somatic. Affected: yes.
Comment: Variant has Tier I (strong) clinical significance as a diagnostic inclusion criterion in malignant glioma, based on the following evidence: 1) Appears in one or more well-established professional guidelines (e.g., World Health Organization [WHO]; National Comprehensive Cancer Network [NCCN]) as providing diagnostic, prognostic, or therapeutic information. 2) Information in the literature supports potential biologic effect of variant. 3) Diagnostic for a specific tumor type/classification based on well-powered studies with expert-level consensus (Evidence Level B).